The following is an entry in ClinVar:

ClinVar aggregate classification (germline): Uncertain significance (1 of 4 stars; one submission).

Submission:

GeneDx
Classification: Uncertain significance. Last evaluated: 2024-12-14. Review status: criteria provided, single submitter. Criteria: GeneDx Variant Classification Process June 2021. Collection method: clinical testing. Allele origin: germline. Affected: yes.
Comment: Not observed at significant frequency in large population cohorts (gnomAD); In silico analysis supports that this missense variant has a deleterious effect on protein structure/function; Has not been previously published as pathogenic or benign to our knowledge

NM_000829.4(GRIA4):c.466T>C (p.Phe156Leu)

Genes: GRIA4 (glutamate ionotropic receptor AMPA type subunit 4; plus strand), LOC126861324 (CDK7 strongly-dependent group 2 enhancer GRCh37_chr11:105623830-105625029; plus strand). Cytogenetic location: 11q22.3.
Variant type: single nucleotide variant.
Coding change: c.466T>C on transcript NM_000829.4 (MANE Select); coding-DNA position 466, T replaced by C.
Protein change: p.Phe156Leu; replaces phenylalanine 156 with leucine.
Molecular consequence: missense variant. On other transcripts: non-coding transcript variant (1).
Genome position (GRCh38, 1-based): chr11:105,753,199, T>C. VCF-style: chr11-105753199-T-C. GRCh37 (hg19) VCF-style: chr11-105623925-T-C.
Other names: c.466T>C, p.Phe156Leu (NM_001077243.3, NM_001077244.2, NM_001112812.2); short protein forms F156L.
Identifiers: ClinVar variation 3903143 (VCV003903143.1).
Genomic context (GRCh38, chr11:105,753,199, plus strand): 5'-CCTTCGTTACGAGGAGCACTCTTGAGTTTGCTGGATCACTACGAATGGAACTGTTTTGTC[T>C]TCCTGTATGACACAGACAGGGGTAAGTCCAGTTTCTTCATCTATTAGAGCAAAACTCTAA-3'
Protein context (NP_000820.4, residues 146-166): LDHYEWNCFV[Phe156Leu]LYDTDRGYSI